The following is an entry in ClinVar:

ClinVar aggregate classification (germline): Uncertain significance. Review status: criteria provided, multiple submitters, no conflicts (2 of 4 stars). 3 submissions from 3 submitters: Uncertain significance (3). Last evaluated 2026-08-06.

Conditions:
Exostoses, multiple, type 2 (EXT2). Also called: Hereditary Multiple Osteochondromatosis, Type II; EXOSTOSES, MULTIPLE, TYPE II. Identifiers: Orphanet 321, MedGen C1851413, MONDO:0007586, OMIM 133701.

Allele frequency attached by ClinVar (database versions not stated): gnomAD exomes below 0.00001; TOPMed below 0.00001; gnomAD 0.00001.
gnomAD v4.1: 3 of 1,613,694 alleles (0.00019%); highest among the groups gnomAD compares: Admixed American, 0.0017%; no homozygotes.

Submissions (3):

OLLIN Analises Genomicas, OLLIN
Classification: Uncertain significance. Last evaluated: 2026-08-06. Review status: criteria provided, single submitter. Criteria: ACMG Guidelines 2015 PMID 25741868. Collection method: clinical testing. Allele origin: germline.
Comment: This missense variant, located in exon 4 (of 14), has been reported in ClinVar (accession VCV002897010.4) and in gnomAD with an allele frequency of 0.00019%. However, to our knowledge, it has not been reported in the scientific literature. In silico analysis predicts that this variant has a deleterious effect. According to the currently available evidence, this variant has been classified as uncertain significance (PM2_P, PP3).

Baylor Genetics
Classification: Uncertain significance for Exostoses, multiple, type 2. Last evaluated: 2023-11-20. Review status: criteria provided, single submitter. Criteria: ACMG Guidelines, 2015. Collection method: clinical testing. Allele origin: unknown.

Labcorp Genetics (formerly Invitae), Labcorp
Classification: Uncertain significance for Exostoses, multiple, type 2. Last evaluated: 2023-02-03. Review status: criteria provided, single submitter. Criteria: Invitae Variant Classification Sherloc (09022015). Collection method: clinical testing. Allele origin: germline.
Comment: This sequence change replaces leucine, which is neutral and non-polar, with phenylalanine, which is neutral and non-polar, at codon 242 of the EXT2 protein (p.Leu242Phe). This variant is not present in population databases (gnomAD no frequency). In summary, the available evidence is currently insufficient to determine the role of this variant in disease. Therefore, it has been classified as a Variant of Uncertain Significance. Advanced modeling of protein sequence and biophysical properties (such as structural, functional, and spatial information, amino acid conservation, physicochemical variation, residue mobility, and thermodynamic stability) performed at Invitae indicates that this missense variant is not expected to disrupt EXT2 protein function. This variant has not been reported in the literature in individuals affected with EXT2-related conditions.

NM_207122.2(EXT2):c.724C>T (p.Leu242Phe)

Gene: EXT2 (exostosin glycosyltransferase 2; plus strand). Cytogenetic location: 11p11.2.
Variant type: single nucleotide variant.
Coding change: c.724C>T on transcript NM_207122.2 (MANE Select); coding-DNA position 724, C replaced by T.
Protein change: p.Leu242Phe; replaces leucine 242 with phenylalanine.
Molecular consequence: missense variant.
Genome position (GRCh38, 1-based): chr11:44,114,282, C>T. VCF-style: chr11-44114282-C-T. GRCh37 (hg19) VCF-style: chr11-44135832-C-T.
Other names: c.823C>T, p.Leu275Phe (NM_000401.3); c.724C>T, p.Leu242Phe (NM_001178083.3, NM_001389628.1, NM_001389630.1); short protein forms L242F, L275F.
Identifiers: ClinVar variation 2897010 (VCV002897010.5), dbSNP rs956324934, ClinGen allele CA221465912.